The following is an entry in ClinVar:

ClinVar aggregate classification (germline): Likely benign. Review status: criteria provided, single submitter (1 of 4 stars). 2 submissions from 2 submitters: Likely benign (1). 1 of the submissions does not count toward it. Last evaluated 2024-08-29.

Conditions:
SETD1B-related disorder. Also called: SETD1B-related condition.

gnomAD v4.1: 1,628 of 1,551,540 alleles (0.1%); highest among the groups gnomAD compares: African/African-American, 2%; 14 homozygotes.

Submissions (2):

Blueprint Genetics
Classification: Likely benign. Last evaluated: 2024-08-29. Review status: criteria provided, single submitter. Criteria: ACMG Guidelines, 2015. Collection method: clinical testing. Allele origin: germline.

PreventionGenetics, part of Exact Sciences
Classification: Benign for SETD1B-related condition. Last evaluated: 2024-03-05. Review status: no assertion criteria provided. Collection method: clinical testing. Allele origin: germline. Not counted in ClinVar's aggregate classification.
Comment: This variant is classified as benign based on ACMG/AMP sequence variant interpretation guidelines (Richards et al. 2015 PMID: 25741868, with internal and published modifications).

NM_001353345.2(SETD1B):c.5058C>T (p.Asn1686=)

Gene: SETD1B (SET domain containing 1B, histone lysine methyltransferase; plus strand). Cytogenetic location: 12q24.31.
Variant type: single nucleotide variant.
Coding change: c.5058C>T on transcript NM_001353345.2 (MANE Select); coding-DNA position 5058, C replaced by T.
Protein change: p.Asn1686=; no amino-acid change (asparagine 1686 retained).
Molecular consequence: synonymous variant.
Genome position (GRCh38, 1-based): chr12:121,823,637, C>T. VCF-style: chr12-121823637-C-T. GRCh37 (hg19) VCF-style: chr12-122261543-C-T.
Other names: NM_015048.1:c.4929C>T.
Identifiers: ClinVar variation 3358344 (VCV003358344.2).
Genomic context (GRCh38, chr12:121,823,637, plus strand): 5'-GCCCCTCTTCCGGCCCCGCTCGGAGTTTGAGGAGATGACCATCCTGTATGACATCTGGAA[C>T]GGTGGCATCGATGAGGAGGACATCCGCTTCCTGTGTGTCACCTACGAGCGACTGCTACAG-3'
Protein context (NP_001340274.1, residues 1676-1696): EEMTILYDIW[Asn1686=]GGIDEEDIRF